The following is an entry in ClinVar:

ClinVar aggregate classification (germline): Likely benign. Review status: criteria provided, single submitter (1 of 4 stars). 2 submissions from 2 submitters: Likely benign (1). 1 of the submissions does not count toward it. Last evaluated 2025-11-01.

Conditions:
SMARCC1-related disorder. Also called: SMARCC1-related condition.

Allele frequency attached by ClinVar (database versions not stated): ESP Exome Variant Server 0.00015; TOPMed 0.00015; gnomAD 0.00033; gnomAD exomes 0.00073; 1000 Genomes Project 30x 0.00156; ExAC 0.00156; 1000 Genomes Project 0.00160.
gnomAD v4.1: 1,077 of 1,579,248 alleles (0.068%); highest among the groups gnomAD compares: South Asian, 0.99%; 10 homozygotes.

Submissions (2):

CeGaT Center for Human Genetics Tuebingen
Classification: Likely benign. Last evaluated: 2025-11-01. Review status: criteria provided, single submitter. Criteria: CeGaT Center For Human Genetics Tuebingen Variant Classification Criteria Version 2. Collection method: clinical testing. Allele origin: germline. Affected: yes. Observed: 2 variant alleles.
Comment: SMARCC1: BP4, BS1

PreventionGenetics, part of Exact Sciences
Classification: Likely benign for SMARCC1-related condition. Last evaluated: 2019-02-20. Review status: no assertion criteria provided. Collection method: clinical testing. Allele origin: germline. Not counted in ClinVar's aggregate classification.
Comment: This variant is classified as likely benign based on ACMG/AMP sequence variant interpretation guidelines (Richards et al. 2015 PMID: 25741868, with internal and published modifications).

NM_003074.4(SMARCC1):c.1009A>G (p.Thr337Ala)

Gene: SMARCC1 (SWI/SNF related BAF chromatin remodeling complex subunit C1; minus strand). Cytogenetic location: 3p21.31.
Variant type: single nucleotide variant.
Coding change: c.1009A>G on transcript NM_003074.4 (MANE Select); coding-DNA position 1009, A replaced by G.
Protein change: p.Thr337Ala; replaces threonine 337 with alanine.
Molecular consequence: missense variant.
Genome position (GRCh38, 1-based): chr3:47,706,440, T>C on the plus strand (A>G on the coding strand, the complement: SMARCC1 is on the minus strand). VCF-style: chr3-47706440-T-C. GRCh37 (hg19) VCF-style: chr3-47747930-T-C.
Other names: short protein forms T337A.
Identifiers: ClinVar variation 3048228 (VCV003048228.10), dbSNP rs147555056, ClinGen allele CA2369259.
Genomic context (GRCh38, chr3:47,706,440, plus strand): 5'-TGCCCTTTGAATCATGTAATAGTTCTTACCCTTTCTTCCCACTCTTCTTCCGTGATTCTG[T>C]TGGTGTCGGAGGGGGAGGCGAAGGCGAATGTTTCCTCTTTCGAGCATTAGCTGATGCTTT-3'
Protein context (NP_003065.3, residues 327-347): HSPSPPPPTP[Thr337Ala]ESRKKSGKKG